The following is an entry in ClinVar:

NM_001164508.2(NEB):c.19286C>T (p.Ala6429Val)

Gene: NEB (nebulin; minus strand). Cytogenetic location: 2q23.3.
Variant type: single nucleotide variant.
Coding change: c.19286C>T on transcript NM_001164508.2 (MANE Select); coding-DNA position 19286, C replaced by T.
Protein change: p.Ala6429Val; replaces alanine 6429 with valine.
Molecular consequence: missense variant.
Genome position (GRCh38, 1-based): chr2:151,560,620, G>A on the plus strand (C>T on the coding strand, the complement: NEB is on the minus strand). VCF-style: chr2-151560620-G-A. GRCh37 (hg19) VCF-style: chr2-152417134-G-A.
Other names: c.19286C>T, p.Ala6429Val (NM_001164507.2, NM_001271208.2); c.14183C>T, p.Ala4728Val (NM_004543.5); short protein forms A4728V, A6429V.
Identifiers: ClinVar variation 2170670 (VCV002170670.1), dbSNP rs139636644, ClinGen allele CA348793794.

ClinVar aggregate classification (germline): Uncertain significance (1 of 4 stars; one submission).

Conditions:
Nemaline myopathy 2 (NEM2). Also called: Nemaline myopathy 2, autosomal recessive. Identifiers: MedGen C1850569, MONDO:0009725, OMIM 256030.

gnomAD v4.1: 3 of 1,612,304 alleles (0.00019%); highest among the groups gnomAD compares: Admixed American, 0.0033%; no homozygotes.

Submission:

Labcorp Genetics (formerly Invitae), Labcorp
Classification: Uncertain significance for Nemaline myopathy 2. Last evaluated: 2022-05-25. Review status: criteria provided, single submitter. Criteria: Invitae Variant Classification Sherloc (09022015). Collection method: clinical testing. Allele origin: germline.
Comment: This sequence change replaces alanine, which is neutral and non-polar, with valine, which is neutral and non-polar, at codon 6429 of the NEB protein (p.Ala6429Val). This variant is present in population databases (no rsID available, gnomAD 0.003%). This variant has not been reported in the literature in individuals affected with NEB-related conditions. Algorithms developed to predict the effect of missense changes on protein structure and function output the following: SIFT: "Deleterious"; PolyPhen-2: "Not Available"; Align-GVGD: "Class C0". The valine amino acid residue is found in multiple mammalian species, which suggests that this missense change does not adversely affect protein function. In summary, the available evidence is currently insufficient to determine the role of this variant in disease. Therefore, it has been classified as a Variant of Uncertain Significance.